The following is an entry in ClinVar:

ClinVar aggregate classification (germline): Pathogenic (1 of 4 stars; one submission).

Submission:

Labcorp Genetics (formerly Invitae), Labcorp
Classification: Pathogenic. Last evaluated: 2023-10-04. Review status: criteria provided, single submitter. Criteria: Invitae Variant Classification Sherloc (09022015). Collection method: clinical testing. Allele origin: unknown.
Comment: This variant is a gross deletion of the genomic region encompassing exon(s) 9 of the ZNF341 gene. This deletion is out-of-frame, and is expected to create a premature termination codon and result in an absent or disrupted protein product. Loss-of-function variants in ZNF341 are known to be pathogenic (PMID: 29907690, 29907691). This variant has not been reported in the literature in individuals affected with ZNF341-related conditions. For these reasons, this variant has been classified as Pathogenic.

Literature cited by the submitters: PubMed 29907690; PubMed 29907691.

NC_000020.10:g.(?_32354637)_(32354867_?)del

Gene: ZNF341 (zinc finger protein 341; plus strand). Cytogenetic location: 20q11.22.
Variant type: Deletion.
Identifiers: ClinVar variation 3248358 (VCV003248358.1).